The following is an entry in ClinVar:

NM_198834.3(ACACA):c.1995C>T (p.Thr665=)

Gene: ACACA (acetyl-CoA carboxylase alpha; minus strand). Cytogenetic location: 17q12.
Variant type: single nucleotide variant.
Coding change: c.1995C>T on transcript NM_198834.3 (MANE Select); coding-DNA position 1995, C replaced by T.
Protein change: p.Thr665=; no amino-acid change (threonine 665 retained).
Molecular consequence: synonymous variant.
Genome position (GRCh38, 1-based): chr17:37,252,091, G>A on the plus strand (C>T on the coding strand, the complement: ACACA is on the minus strand). VCF-style: chr17-37252091-G-A. GRCh37 (hg19) VCF-style: chr17-35609017-G-A.
Other names: c.1884C>T, p.Thr628= (NM_198836.3, NM_198839.3); c.1710C>T, p.Thr570= (NM_198837.2); c.1650C>T, p.Thr550= (NM_198838.2); c.1995C>T (NM_198834.2).
Identifiers: ClinVar variation 3009326 (VCV003009326.5), dbSNP rs766878038, ClinGen allele CA8515691.

ClinVar aggregate classification (germline): Likely benign. Review status: criteria provided, single submitter (1 of 4 stars). 2 submissions from 2 submitters: Likely benign (1). 1 of the submissions does not count toward it. Last evaluated 2023-09-23.

Conditions:
ACACA-related disorder. Also called: ACACA-related condition.

Allele frequency attached by ClinVar (database versions not stated): TOPMed 0.00001; gnomAD 0.00002; gnomAD exomes 0.00002; ExAC 0.00007.
gnomAD v4.1: 36 of 1,614,036 alleles (0.0022%); highest among the groups gnomAD compares: Non-Finnish European, 0.0025%; no homozygotes.

Submissions (2):

Labcorp Genetics (formerly Invitae), Labcorp
Classification: Likely benign. Last evaluated: 2023-09-23. Review status: criteria provided, single submitter. Criteria: Invitae Variant Classification Sherloc (09022015). Collection method: clinical testing. Allele origin: germline.

PreventionGenetics, part of Exact Sciences
Classification: Likely benign for ACACA-related condition. Last evaluated: 2019-02-20. Review status: no assertion criteria provided. Collection method: clinical testing. Allele origin: germline. Not counted in ClinVar's aggregate classification.
Comment: This variant is classified as likely benign based on ACMG/AMP sequence variant interpretation guidelines (Richards et al. 2015 PMID: 25741868, with internal and published modifications).